The following is an entry in ClinVar:

NM_001371928.1(AHDC1):c.3704G>A (p.Arg1235Gln)

Gene: AHDC1 (AT-hook DNA binding motif containing 1; minus strand). Cytogenetic location: 1p36.11.
Variant type: single nucleotide variant.
Coding change: c.3704G>A on transcript NM_001371928.1 (MANE Select); coding-DNA position 3704, G replaced by A.
Protein change: p.Arg1235Gln; replaces arginine 1235 with glutamine.
Molecular consequence: missense variant.
Genome position (GRCh38, 1-based): chr1:27,548,412, C>T on the plus strand (G>A on the coding strand, the complement: AHDC1 is on the minus strand). VCF-style: chr1-27548412-C-T. GRCh37 (hg19) VCF-style: chr1-27874923-C-T.
Other names: c.3704G>A, p.Arg1235Gln (NM_001029882.3); c.-340G>A (NM_015699.1); c.3704G>A (NM_001029882.2); short protein forms R1235Q.
Identifiers: ClinVar variation 1987639 (VCV001987639.5), dbSNP rs2019313472, ClinGen allele CA339225356.

ClinVar aggregate classification (germline): Uncertain significance. Review status: criteria provided, multiple submitters, no conflicts (2 of 4 stars). 2 submissions from 2 submitters: Uncertain significance (2). Last evaluated 2025-01-24.

Conditions:
Inborn genetic diseases. Identifiers: MedGen C0950123, MeSH D030342.

Allele frequency attached by ClinVar (database versions not stated): TOPMed below 0.00001; gnomAD exomes 0.00001.
gnomAD v4.1: 17 of 1,610,344 alleles (0.0011%); highest among the groups gnomAD compares: East Asian, 0.0022%; no homozygotes.

Submissions (2):

Ambry Genetics
Classification: Uncertain significance for Inborn genetic diseases. Last evaluated: 2025-01-24. Review status: criteria provided, single submitter. Criteria: Ambry Variant Classification Scheme 2023. Collection method: clinical testing. Allele origin: germline.

Labcorp Genetics (formerly Invitae), Labcorp
Classification: Uncertain significance. Last evaluated: 2022-04-30. Review status: criteria provided, single submitter. Criteria: Invitae Variant Classification Sherloc (09022015). Collection method: clinical testing. Allele origin: germline.
Comment: This sequence change replaces arginine, which is basic and polar, with glutamine, which is neutral and polar, at codon 1235 of the AHDC1 protein (p.Arg1235Gln). This variant is not present in population databases (gnomAD no frequency). In summary, the available evidence is currently insufficient to determine the role of this variant in disease. Therefore, it has been classified as a Variant of Uncertain Significance. Algorithms developed to predict the effect of missense changes on protein structure and function are either unavailable or do not agree on the potential impact of this missense change (SIFT: "Deleterious"; PolyPhen-2: "Benign"; Align-GVGD: "Class C0"). This variant has not been reported in the literature in individuals affected with AHDC1-related conditions.